The following is an entry in ClinVar:

ClinVar aggregate classification (germline): Pathogenic (1 of 4 stars; one submission).

Conditions:
Baller-Gerold syndrome (BGS). Also called: CRANIOSYNOSTOSIS WITH RADIAL DEFECTS. Identifiers: Orphanet 1225, MedGen C0265308, MONDO:0009039, OMIM 218600.

Submission:

Labcorp Genetics (formerly Invitae), Labcorp
Classification: Pathogenic for Baller-Gerold syndrome. Last evaluated: 2022-07-30. Review status: criteria provided, single submitter. Criteria: Invitae Variant Classification Sherloc (09022015). Collection method: clinical testing. Allele origin: germline.
Comment: For these reasons, this variant has been classified as Pathogenic. This variant has not been reported in the literature in individuals affected with RECQL4-related conditions. This variant is not present in population databases (gnomAD no frequency). This sequence change creates a premature translational stop signal (p.Gln1133*) in the RECQL4 gene. It is expected to result in an absent or disrupted protein product. Loss-of-function variants in RECQL4 are known to be pathogenic (PMID: 12734318, 12952869).

Literature cited by the submitters: PubMed 12734318; PubMed 12952869.

NM_004260.4(RECQL4):c.3397C>T (p.Gln1133Ter)

Gene: RECQL4 (RecQ like helicase 4; minus strand). Cytogenetic location: 8q24.3.
Variant type: single nucleotide variant.
Coding change: c.3397C>T on transcript NM_004260.4 (MANE Select); coding-DNA position 3397, C replaced by T.
Protein change: p.Gln1133Ter; replaces glutamine 1133 with a stop codon.
Molecular consequence: nonsense.
Genome position (GRCh38, 1-based): chr8:144,511,786, G>A on the plus strand (C>T on the coding strand, the complement: RECQL4 is on the minus strand). VCF-style: chr8-144511786-G-A. GRCh37 (hg19) VCF-style: chr8-145737169-G-A.
Other names: c.3103C>T, p.Gln1035Ter (NM_001413017.1); c.3199C>T, p.Gln1067Ter (NM_001413018.1); c.3472C>T, p.Gln1158Ter (NM_001413019.1); c.3301C>T, p.Gln1101Ter (NM_001413020.1); c.2326C>T, p.Gln776Ter (NM_001413021.1, NM_001413022.1, NM_001413024.1 and 4 more transcripts); c.2401C>T, p.Gln801Ter (NM_001413023.1); c.3268C>T, p.Gln1090Ter (NM_001413025.1); c.2260C>T, p.Gln754Ter (NM_001413027.1, NM_001413030.1, NM_001413032.1); and 9 more; short protein forms Q1067*, Q644*, Q766*, Q801*, Q1016*, Q1035*, Q1089*, Q710*.
Identifiers: ClinVar variation 2020800 (VCV002020800.4), dbSNP rs2537967411, ClinGen allele CA372667653.